The following is an entry in ClinVar:

Conditions:
Breast-ovarian cancer, familial, susceptibility to, 1 (BROVCA1). Also called: BRCA1 Hereditary Breast and Ovarian Cancer; OVARIAN CANCER, SUSCEPTIBILITY TO. Identifiers: Orphanet 145, MedGen C2676676, MONDO:0011450, OMIM 604370. Disease mechanism: loss of function.

Submission:

Brotman Baty Institute, University of Washington
No classification provided (evidence only). Condition: Breast-ovarian cancer, familial 1. Review status: no classification provided. Collection method: in vitro. Allele origin: not applicable. Functional consequence: functionally_abnormal.
ClinVar note: "not provided" was previously submitted as the classification for the variant. However, the classification appeared to be based only on an observation of functional data so it was converted to no classification on 2025-07-30.

NM_007294.4(BRCA1):c.5420T>G (p.Ile1807Ser)

Gene: BRCA1 (BRCA1 DNA repair associated; minus strand). Cytogenetic location: 17q21.31.
Variant type: single nucleotide variant.
Coding change: c.5420T>G on transcript NM_007294.4 (MANE Select); coding-DNA position 5420, T replaced by G.
Protein change: p.Ile1807Ser; replaces isoleucine 1807 with serine.
Molecular consequence: missense variant. On other transcripts: non-coding transcript variant (1).
Genome position (GRCh38, 1-based): chr17:43,047,690, A>C on the plus strand (T>G on the coding strand, the complement: BRCA1 is on the minus strand). VCF-style: chr17-43047690-A-C. GRCh37 (hg19) VCF-style: chr17-41199707-A-C.
Other names: c.5207T>G, p.Ile1736Ser (NM_001407571.1, NM_001407894.1, NM_001407908.1 and 12 more transcripts); c.5486T>G, p.Ile1829Ser (NM_001407581.1, NM_001407582.1); c.5483T>G, p.Ile1828Ser (NM_001407583.1, NM_001407585.1, NM_001407587.1 and 1 more transcripts); c.5480T>G, p.Ile1827Ser (NM_001407590.1, NM_001407591.1); c.5420T>G, p.Ile1807Ser (NM_001407593.1, NM_001407594.1, NM_001407596.1 and 5 more transcripts); c.5417T>G, p.Ile1806Ser (NM_001407615.1, NM_001407616.1, NM_001407617.1 and 14 more transcripts); c.5414T>G, p.Ile1805Ser (NM_001407634.1, NM_001407635.1, NM_001407636.1 and 13 more transcripts); c.5339T>G, p.Ile1780Ser (NM_001407656.1, NM_001407657.1, NM_001407658.1); and 83 more; short protein forms I1760S, N678K, I1807S, I1828S, I703S, I1510S, I1680S, I1717S.
Identifiers: ClinVar variation 868479 (VCV000868479.3), dbSNP rs2050991229, ClinGen allele CA10590609.